The following is an entry in ClinVar:

ClinVar aggregate classification (germline): Uncertain significance. Review status: criteria provided, multiple submitters, no conflicts (2 of 4 stars). 2 submissions from 2 submitters: Uncertain significance (2). Last evaluated 2026-09-01.

Conditions:
Inborn genetic diseases. Identifiers: MedGen C0950123, MeSH D030342.

gnomAD v4.1: 15 of 1,612,978 alleles (0.00093%); highest among the groups gnomAD compares: Admixed American, 0.022%; no homozygotes.

Submissions (2):

GeneDx
Classification: Uncertain significance. Last evaluated: 2026-09-01. Review status: criteria provided, single submitter. Criteria: GeneDx Variant Classification Process June 2021. Collection method: clinical testing. Allele origin: germline.
Comment: In silico analysis suggests that this missense variant does not alter protein structure/function; Has not been previously published as pathogenic or benign to our knowledge

Ambry Genetics
Classification: Uncertain significance for Inborn genetic diseases. Last evaluated: 2024-12-04. Review status: criteria provided, single submitter. Criteria: Ambry Variant Classification Scheme 2023. Collection method: clinical testing. Allele origin: germline.
Comment: The p.R817K variant (also known as c.2450G>A), located in coding exon 22 of the ANKRD26 gene, results from a G to A substitution at nucleotide position 2450. The arginine at codon 817 is replaced by lysine, an amino acid with highly similar properties. This amino acid position is conserved. In addition, this alteration is predicted to be tolerated by in silico analysis. Based on the available evidence, the clinical significance of this variant remains unclear.

NM_014915.3(ANKRD26):c.2450G>A (p.Arg817Lys)

Gene: ANKRD26 (ankyrin repeat domain 26; minus strand). Cytogenetic location: 10p12.1.
Variant type: single nucleotide variant.
Coding change: c.2450G>A on transcript NM_014915.3 (MANE Select); coding-DNA position 2450, G replaced by A.
Protein change: p.Arg817Lys; replaces arginine 817 with lysine.
Molecular consequence: missense variant.
Genome position (GRCh38, 1-based): chr10:27,037,980, C>T on the plus strand (G>A on the coding strand, the complement: ANKRD26 is on the minus strand). VCF-style: chr10-27037980-C-T. GRCh37 (hg19) VCF-style: chr10-27326909-C-T.
Other names: c.2447G>A, p.Arg816Lys (NM_001256053.2); short protein forms R816K, R817K.
Identifiers: ClinVar variation 3367966 (VCV003367966.3).